The following is an entry in ClinVar:

NM_001134363.3(RBM20):c.3023G>C (p.Arg1008Pro)

Gene: RBM20 (RNA binding motif protein 20; plus strand). Cytogenetic location: 10q25.2.
Variant type: single nucleotide variant.
Coding change: c.3023G>C on transcript NM_001134363.3 (MANE Select); coding-DNA position 3023, G replaced by C.
Protein change: p.Arg1008Pro; replaces arginine 1008 with proline.
Molecular consequence: missense variant.
Genome position (GRCh38, 1-based): chr10:110,821,642, G>C. VCF-style: chr10-110821642-G-C. GRCh37 (hg19) VCF-style: chr10-112581400-G-C.
Other names: c.3023G>C (LRG_382t1); short protein forms R1008P.
Identifiers: ClinVar variation 263590 (VCV000263590.22), dbSNP rs886038858, ClinGen allele CA10587692.
Genomic context (GRCh38, chr10:110,821,642, plus strand): 5'-CCACAAGCTGTCCCAGTGACATGGACGTGGAAATGCCTGGCCTAAATCTGGATGCTGAGC[G>C]GAAGCCAGCTGAAAGTGAGACAGGCCTCTCCCTGGAGGATTCAGATTGCTACGAGAAGGA-3'
Protein context (NP_001127835.2, residues 998-1018): EMPGLNLDAE[Arg1008Pro]KPAESETGLS

ClinVar aggregate classification (germline): Uncertain significance. Review status: criteria provided, multiple submitters, no conflicts (2 of 4 stars). 7 submissions from 7 submitters: Uncertain significance (6). 1 of the submissions does not count toward it. Last evaluated 2025-12-01.

Conditions:
RBM20-related disorder. Also called: RBM20-related condition.
Cardiovascular phenotype. Identifiers: MedGen CN230736.
Dilated cardiomyopathy 1DD (CMD1DD). Identifiers: Orphanet 154, MedGen C2750995, MONDO:0013168, OMIM 613172.

Allele frequency attached by ClinVar (database versions not stated): TOPMed 0.00002; gnomAD 0.00003.
gnomAD v4.1: 12 of 1,551,670 alleles (0.00077%); highest among the groups gnomAD compares: Middle Eastern, 0.017%; no homozygotes.

Submissions (7):

Labcorp Genetics (formerly Invitae), Labcorp
Classification: Uncertain significance for Dilated cardiomyopathy 1DD. Last evaluated: 2025-12-01. Review status: criteria provided, single submitter. Criteria: Invitae Variant Classification Sherloc (09022015). Collection method: clinical testing. Allele origin: germline.
Comment: This sequence change replaces arginine, which is basic and polar, with proline, which is neutral and non-polar, at codon 1008 of the RBM20 protein (p.Arg1008Pro). This variant is present in population databases (no rsID available, gnomAD 0.002%). This variant has not been reported in the literature in individuals affected with RBM20-related conditions. ClinVar contains an entry for this variant (Variation ID: 263590). Invitae Evidence Modeling of protein sequence and biophysical properties (such as structural, functional, and spatial information, amino acid conservation, physicochemical variation, residue mobility, and thermodynamic stability) indicates that this missense variant is not expected to disrupt RBM20 protein function with a negative predictive value of 95%. In summary, the available evidence is currently insufficient to determine the role of this variant in disease. Therefore, it has been classified as a Variant of Uncertain Significance.

Ambry Genetics
Classification: Uncertain significance for Cardiovascular phenotype. Last evaluated: 2024-04-16. Review status: criteria provided, single submitter. Criteria: Ambry Variant Classification Scheme 2023. Collection method: clinical testing. Allele origin: germline.
Comment: The p.R1008P variant (also known as c.3023G>C), located in coding exon 11 of the RBM20 gene, results from a G to C substitution at nucleotide position 3023. The arginine at codon 1008 is replaced by proline, an amino acid with dissimilar properties. This amino acid position is not well conserved in available vertebrate species. In addition, this alteration is predicted to be tolerated by in silico analysis. Based on the available evidence, the clinical significance of this variant remains unclear.

GeneDx
Classification: Uncertain significance. Last evaluated: 2022-04-18. Review status: criteria provided, single submitter. Criteria: GeneDx Variant Classification Process June 2021. Collection method: clinical testing. Allele origin: germline. Affected: yes.
Comment: Has not been previously published as pathogenic or benign to our knowledge; Not observed at significant frequency in large population cohorts (gnomAD); In silico analysis supports that this missense variant does not alter protein structure/function

Fulgent Genetics
Classification: Uncertain significance for Dilated cardiomyopathy 1DD. Last evaluated: 2021-09-01. Review status: criteria provided, single submitter. Criteria: ACMG Guidelines, 2015. Collection method: clinical testing. Allele origin: unknown.

Department of Pathology and Laboratory Medicine, Sinai Health System
Classification: Uncertain significance for Dilated cardiomyopathy 1DD. Last evaluated: 2020-06-08. Review status: criteria provided, single submitter. Criteria: ACMG Guidelines, 2015. Collection method: research. Allele origin: germline.

Mayo Clinic Laboratories, Mayo Clinic
Classification: Uncertain significance. Last evaluated: 2019-08-17. Review status: criteria provided, single submitter. Criteria: ACMG Guidelines, 2015. Collection method: clinical testing. Allele origin: germline. Observed: 1 variant allele.

PreventionGenetics, part of Exact Sciences
Classification: Uncertain significance for RBM20-related condition. Last evaluated: 2024-06-25. Review status: no assertion criteria provided. Collection method: clinical testing. Allele origin: germline. Not counted in ClinVar's aggregate classification.
Comment: The RBM20 c.3023G>C variant is predicted to result in the amino acid substitution p.Arg1008Pro. To our knowledge, this variant has not been reported in the literature. This variant is reported in 0.0065% of alleles in individuals of European (Non-Finnish) descent in gnomAD. At this time, the clinical significance of this variant is uncertain due to the absence of conclusive functional and genetic evidence.